The following is an entry in ClinVar:

NM_003560.4(PLA2G6):c.552C>G (p.Tyr184Ter)

Gene: PLA2G6 (phospholipase A2 group VI; minus strand). Cytogenetic location: 22q13.1.
Variant type: single nucleotide variant.
Coding change: c.552C>G on transcript NM_003560.4 (MANE Select); coding-DNA position 552, C replaced by G.
Protein change: p.Tyr184Ter; replaces tyrosine 184 with a stop codon.
Molecular consequence: nonsense. On other transcripts: missense variant (1).
Genome position (GRCh38, 1-based): chr22:38,143,162, G>C on the plus strand (C>G on the coding strand, the complement: PLA2G6 is on the minus strand). VCF-style: chr22-38143162-G-C. GRCh37 (hg19) VCF-style: chr22-38539169-G-C.
Other names: c.552C>G, p.Tyr184Ter (NM_001004426.3, NM_001199562.3, NM_001349864.2 and 2 more transcripts); c.18C>G, p.Tyr6Ter (NM_001349867.2, NM_001349869.2); c.62C>G, p.Thr21Arg (NM_001349868.2); short protein forms Y184*, Y6*, T21R.
Identifiers: ClinVar variation 2991720 (VCV002991720.3), dbSNP rs2518056118, ClinGen allele CA411531780.

ClinVar aggregate classification (germline): Pathogenic (1 of 4 stars; one submission).

Conditions:
Infantile neuroaxonal dystrophy (NBIA2A). Also called: NEURODEGENERATION WITH BRAIN IRON ACCUMULATION 2A; SEITELBERGER DISEASE; Infantile neuroaxonal dystrophy 1. Identifiers: Orphanet 35069, MedGen C0270724, MONDO:0024457, OMIM 256600.

Submission:

Labcorp Genetics (formerly Invitae), Labcorp
Classification: Pathogenic for Infantile neuroaxonal dystrophy. Last evaluated: 2023-11-30. Review status: criteria provided, single submitter. Criteria: Invitae Variant Classification Sherloc (09022015). Collection method: clinical testing. Allele origin: germline.
Comment: This sequence change creates a premature translational stop signal (p.Tyr184*) in the PLA2G6 gene. It is expected to result in an absent or disrupted protein product. Loss-of-function variants in PLA2G6 are known to be pathogenic (PMID: 16783378, 18570303, 18799783, 22213678). This variant is not present in population databases (gnomAD no frequency). This variant has not been reported in the literature in individuals affected with PLA2G6-related conditions. For these reasons, this variant has been classified as Pathogenic.

Literature cited by the submitters: PubMed 16783378; PubMed 18570303; PubMed 18799783; PubMed 22213678.